The following is an entry in ClinVar:

ClinVar aggregate classification (germline): Conflicting classifications of pathogenicity. Review status: criteria provided, conflicting classifications (1 of 4 stars). 4 submissions from 4 submitters: Uncertain significance (2); Likely benign (2). Last evaluated 2026-01-21.

Conditions:
Inborn genetic diseases. Identifiers: MedGen C0950123, MeSH D030342.
EPILEPSY, CHILDHOOD ABSENCE, SUSCEPTIBILITY TO, 2 (ECA2). Identifiers: Orphanet 64280, MedGen C1843244, OMIM 607681.
Febrile seizures, familial, 8 (FEB8). Also called: CONVULSIONS, FAMILIAL FEBRILE, 8. Identifiers: Orphanet 36387, MedGen C1969810, MONDO:0011891, OMIM 607681.

Allele frequency attached by ClinVar (database versions not stated): ExAC 0.00002; gnomAD exomes 0.00002; TOPMed 0.00003; gnomAD 0.00005 and 0.00006.
gnomAD v4.1: 84 of 1,612,180 alleles (0.0052%); highest among the groups gnomAD compares: Non-Finnish European, 0.0064%; no homozygotes.

Submissions (4):

Labcorp Genetics (formerly Invitae), Labcorp
Classification: Likely benign for Febrile seizures, familial, 8; EPILEPSY, CHILDHOOD ABSENCE, SUSCEPTIBILITY TO, 2. Last evaluated: 2026-01-21. Review status: criteria provided, single submitter. Criteria: Invitae Variant Classification Sherloc (09022015). Collection method: clinical testing. Allele origin: germline.

CeGaT Center for Human Genetics Tuebingen
Classification: Likely benign. Last evaluated: 2026-01-01. Review status: criteria provided, single submitter. Criteria: CeGaT Center For Human Genetics Tuebingen Variant Classification Criteria Version 2. Collection method: clinical testing. Allele origin: germline. Affected: yes. Observed: 3 variant alleles.
Comment: GABRG2: BP4, BS2

Illumina Laboratory Services, Illumina
Classification: Uncertain significance for Febrile seizures, familial, 8. Last evaluated: 2018-01-12. Review status: criteria provided, single submitter. Criteria: ICSL Variant Classification Criteria 13 December 2019. Collection method: clinical testing. Allele origin: germline.

Ambry Genetics
Classification: Uncertain significance for Inborn genetic diseases. Last evaluated: 2016-09-13. Review status: criteria provided, single submitter. Criteria: Ambry Variant Classification Scheme 2023. Collection method: clinical testing. Allele origin: germline.
Comment: The p.Y14C variant (also known as c.41A>G), located in coding exon 1 of the GABRG2 gene, results from an A to G substitution at nucleotide position 41. The tyrosine at codon 14 is replaced by cysteine, an amino acid with highly dissimilar properties. This variant was previously reported in the SNPDatabase as rs61750979, but was absent from population-based cohorts in the NHLBI Exome Sequencing Project (ESP) and 1000 Genomes Project databases. This amino acid position is not well conserved in available vertebrate species. In addition, this alteration is predicted to be tolerated by in silico analysis. Since supporting evidence is limited at this time, the clinical significance of this alteration remains unclear.

NM_198904.4(GABRG2):c.41A>G (p.Tyr14Cys)

Gene: GABRG2 (gamma-aminobutyric acid type A receptor subunit gamma2; plus strand). Cytogenetic location: 5q34.
Variant type: single nucleotide variant.
Coding change: c.41A>G on transcript NM_198904.4 (MANE Select); coding-DNA position 41, A replaced by G.
Protein change: p.Tyr14Cys; replaces tyrosine 14 with cysteine.
Molecular consequence: missense variant. On other transcripts: 5 prime UTR variant (3), intron variant (3).
Genome position (GRCh38, 1-based): chr5:162,068,040, A>G. VCF-style: chr5-162068040-A-G. GRCh37 (hg19) VCF-style: chr5-161495046-A-G.
Other names: c.41A>G, p.Tyr14Cys (NM_000816.3, NM_001375339.1, NM_001375340.1 and 5 more transcripts); c.-318A>G (NM_001375348.1, NM_001375350.1); c.-366A>G (NM_001375349.1); c.-3-23A>G (NM_001375346.1, NM_001375345.1); c.20+399A>G (NM_001375347.1); short protein forms Y14C.
Identifiers: ClinVar variation 589917 (VCV000589917.91), dbSNP rs61750979, ClinGen allele CA3544642.
Genomic context (GRCh38, chr5:162,068,040, plus strand): 5'-GAAGGAAAAAAAAAAAAGCGATGAGTTCGCCAAATATATGGAGCACAGGAAGCTCAGTCT[A>G]CTCGACTCCTGTATTTTCACAGAAAATGACGGTGTGGATTCTGCTCCTGCTGTCGCTCTA-3'
Protein context (NP_944494.1, residues 4-24): PNIWSTGSSV[Tyr14Cys]STPVFSQKMT